The following is an entry in ClinVar:

NM_003721.4(RFXANK):c.37A>T (p.Thr13Ser)

Gene: RFXANK (regulatory factor X associated ankyrin containing protein; plus strand). Cytogenetic location: 19p13.11.
Variant type: single nucleotide variant.
Coding change: c.37A>T on transcript NM_003721.4 (MANE Select); coding-DNA position 37, A replaced by T.
Protein change: p.Thr13Ser; replaces threonine 13 with serine.
Molecular consequence: missense variant.
Genome position (GRCh38, 1-based): chr19:19,193,983, A>T. VCF-style: chr19-19193983-A-T. GRCh37 (hg19) VCF-style: chr19-19304792-A-T.
Other names: c.37A>T (NM_003721.2); c.37A>T, p.Thr13Ser (NM_001278727.2, NM_001278728.2, NM_001370233.1 and 6 more transcripts); short protein forms T13S.
Identifiers: ClinVar variation 958608 (VCV000958608.7), dbSNP rs373342097, ClinGen allele CA9322584.
Genomic context (GRCh38, chr19:19,193,983, plus strand): 5'-CTGACACCTCCGCCAGCTTTCCCCATGGAGCTTACCCAGCCTGCAGAAGACCTCATCCAG[A>T]CCCAGCAGACCCCTGCCTCAGAACTTGGGGACCCTGAAGACCCCGGAGAGGAGGCTGCAG-3'
Protein context (NP_003712.1, residues 3-23): LTQPAEDLIQ[Thr13Ser]QQTPASELGD

ClinVar aggregate classification (germline): Uncertain significance. Review status: criteria provided, multiple submitters, no conflicts (2 of 4 stars). 3 submissions from 3 submitters: Uncertain significance (3). Last evaluated 2025-03-18.

Conditions:
Inborn genetic diseases. Identifiers: MedGen C0950123, MeSH D030342.
MHC class II deficiency. Also called: Bare lymphocyte syndrome 2; BLS, TYPE II. Identifiers: Orphanet 572, MedGen C5447452, MONDO:0008855.

Allele frequency attached by ClinVar (database versions not stated): ExAC 0.00001; gnomAD exomes 0.00001; gnomAD 0.00004; TOPMed 0.00006; ESP Exome Variant Server 0.00008.
gnomAD v4.1: 44 of 1,613,994 alleles (0.0027%); highest among the groups gnomAD compares: Non-Finnish European, 0.0034%; no homozygotes.

Submissions (3):

Ambry Genetics
Classification: Uncertain significance for Inborn genetic diseases. Last evaluated: 2025-03-18. Review status: criteria provided, single submitter. Criteria: Ambry Variant Classification Scheme 2023. Collection method: clinical testing. Allele origin: germline.

Labcorp Genetics (formerly Invitae), Labcorp
Classification: Uncertain significance for MHC class II deficiency. Last evaluated: 2022-10-18. Review status: criteria provided, single submitter. Criteria: Invitae Variant Classification Sherloc (09022015). Collection method: clinical testing. Allele origin: germline.
Comment: This sequence change replaces threonine, which is neutral and polar, with serine, which is neutral and polar, at codon 13 of the RFXANK protein (p.Thr13Ser). This variant is present in population databases (rs373342097, gnomAD 0.004%). This variant has not been reported in the literature in individuals affected with RFXANK-related conditions. ClinVar contains an entry for this variant (Variation ID: 958608). Algorithms developed to predict the effect of missense changes on protein structure and function output the following: SIFT: "Tolerated"; PolyPhen-2: "Benign"; Align-GVGD: "Class C0". The serine amino acid residue is found in multiple mammalian species, which suggests that this missense change does not adversely affect protein function. In summary, the available evidence is currently insufficient to determine the role of this variant in disease. Therefore, it has been classified as a Variant of Uncertain Significance.

Center for Genomics, Ann and Robert H. Lurie Children's Hospital of Chicago
Classification: Uncertain significance for MHC class II deficiency 1. Last evaluated: 2021-06-14. Review status: criteria provided, single submitter. Criteria: ACMG Guidelines, 2015. Collection method: clinical testing. Allele origin: germline.
Comment: RFXANK NM_003721.3 exon 3 p.Thr13Ser (c.37A>T): This variant has not been reported in the literature but is present in 0.05% (4/68020) of European alleles in the Genome Aggregation Database. This variant is present in ClinVar (Variation ID:958608). Evolutionary conservation and computational predictive tools suggest that this variant may not impact the protein. In summary, data on this variant is insufficient for disease classification. Therefore, the clinical significance of this variant is uncertain.